The following is an entry in ClinVar:

NC_000017.11:g.(?_58692634)_(58734232_?)del

Gene: RAD51C (RAD51 paralog C; plus strand). Cytogenetic location: 17q22.
Variant type: Deletion.
Identifiers: ClinVar variation 832185 (VCV000832185.2).

ClinVar aggregate classification (germline): Pathogenic (1 of 4 stars; one submission).

Conditions:
Fanconi anemia complementation group O. Also called: RAD51C-Related Fanconi Anemia. Identifiers: Orphanet 84, MedGen C3150653, MONDO:0013248, OMIM 613390.

Submission:

Labcorp Genetics (formerly Invitae), Labcorp
Classification: Pathogenic for Fanconi anemia complementation group O. Last evaluated: 2022-09-06. Review status: criteria provided, single submitter. Criteria: Invitae Variant Classification Sherloc (09022015). Collection method: clinical testing. Allele origin: germline.
Comment: A gross deletion of the genomic region encompassing the full coding sequence of the RAD51C gene has been identified. Loss-of-function variants in RAD51C are known to be pathogenic (PMID: 20400964, 21990120, 24800917). The boundaries of this event are unknown as they extend beyond the assayed region for this gene and therefore may encompass additional genes. This variant has not been reported in the literature in individuals affected with RAD51C-related conditions. For these reasons, this variant has been classified as Pathogenic.

Literature cited by the submitters: PubMed 20400964; PubMed 21990120; PubMed 24800917.